The following is an entry in ClinVar:

NM_004237.4(TRIP13):c.672+1G>A

Gene: TRIP13 (thyroid hormone receptor interactor 13; plus strand). Cytogenetic location: 5p15.33.
Variant type: single nucleotide variant.
Coding change: c.672+1G>A on transcript NM_004237.4 (MANE Select); the canonical splice donor site of the intron after coding-DNA position 672, G replaced by A.
Molecular consequence: splice donor variant.
Genome position (GRCh38, 1-based): chr5:907,194, G>A. VCF-style: chr5-907194-G-A. GRCh37 (hg19) VCF-style: chr5-907309-G-A.
Other names: c.672+1G>A (NM_001166260.2).
Identifiers: ClinVar variation 3645934 (VCV003645934.2).

ClinVar aggregate classification (germline): Likely pathogenic (1 of 4 stars; one submission).

Submission:

Labcorp Genetics (formerly Invitae), Labcorp
Classification: Likely pathogenic. Last evaluated: 2024-07-18. Review status: criteria provided, single submitter. Criteria: Invitae Variant Classification Sherloc (09022015). Collection method: clinical testing. Allele origin: germline.
Comment: This sequence change affects a donor splice site in intron 7 of the TRIP13 gene. It is expected to disrupt RNA splicing. Variants that disrupt the donor or acceptor splice site typically lead to a loss of protein function (PMID: 16199547), and loss-of-function variants in TRIP13 are known to be pathogenic (PMID: 28553959). This variant is not present in population databases (gnomAD no frequency). This variant has not been reported in the literature in individuals affected with TRIP13-related conditions. Algorithms developed to predict the effect of sequence changes on RNA splicing suggest that this variant may disrupt the consensus splice site. In summary, the currently available evidence indicates that the variant is pathogenic, but additional data are needed to prove that conclusively. Therefore, this variant has been classified as Likely Pathogenic.

Literature cited by the submitters: PubMed 16199547; PubMed 28553959.